The following is an entry in ClinVar:

NM_000540.3(RYR1):c.8263A>G (p.Ile2755Val)

Gene: RYR1 (ryanodine receptor 1; plus strand). Cytogenetic location: 19q13.2.
Variant type: single nucleotide variant.
Coding change: c.8263A>G on transcript NM_000540.3 (MANE Select); coding-DNA position 8263, A replaced by G.
Protein change: p.Ile2755Val; replaces isoleucine 2755 with valine.
Molecular consequence: missense variant.
Genome position (GRCh38, 1-based): chr19:38,505,034, A>G. VCF-style: chr19-38505034-A-G. GRCh37 (hg19) VCF-style: chr19-38995674-A-G.
Other names: c.8263A>G, p.Ile2755Val (NM_001042723.2); short protein forms I2755V.
Identifiers: ClinVar variation 847440 (VCV000847440.9), dbSNP rs1382963611, ClinGen allele CA405677167.

ClinVar aggregate classification (germline): Uncertain significance. Review status: criteria provided, multiple submitters, no conflicts (2 of 4 stars). 4 submissions from 4 submitters: Uncertain significance (4). Last evaluated 2025-10-05.

Conditions:
Malignant hyperthermia, susceptibility to, 1 (MHS1). Also called: Anesthesia related hyperthermia; Malignant hyperpyrexia; Fulminating hyperpyrexia; Pharmacogenic myopathy; RYR1-Related Malignant Hyperthermia Susceptibility; Malignant hyperthermia suceptibility 1. Identifiers: Orphanet 423, MedGen C2930980, MONDO:0007783, OMIM 145600.
RYR1-related disorder. Also called: RYR1-related disorders; RYR1-related condition. Identifiers: MedGen CN239331.
Inborn genetic diseases. Identifiers: MedGen C0950123, MeSH D030342.

Allele frequency attached by ClinVar (database versions not stated): gnomAD exomes below 0.00001; TOPMed below 0.00001; gnomAD 0.00001.
gnomAD v4.1: 5 of 1,614,032 alleles (0.00031%); highest among the groups gnomAD compares: Admixed American, 0.005%; no homozygotes.

Submissions (4):

Labcorp Genetics (formerly Invitae), Labcorp
Classification: Uncertain significance for RYR1-related disorder. Last evaluated: 2025-10-05. Review status: criteria provided, single submitter. Criteria: Invitae Variant Classification Sherloc (09022015). Collection method: clinical testing. Allele origin: germline.
Comment: This sequence change replaces isoleucine, which is neutral and non-polar, with valine, which is neutral and non-polar, at codon 2755 of the RYR1 protein (p.Ile2755Val). This variant is not present in population databases (gnomAD no frequency). This variant has not been reported in the literature in individuals affected with RYR1-related conditions. ClinVar contains an entry for this variant (Variation ID: 847440). Invitae Evidence Modeling of protein sequence and biophysical properties (such as structural, functional, and spatial information, amino acid conservation, physicochemical variation, residue mobility, and thermodynamic stability) indicates that this missense variant is not expected to disrupt RYR1 protein function with a negative predictive value of 80%. In summary, the available evidence is currently insufficient to determine the role of this variant in disease. Therefore, it has been classified as a Variant of Uncertain Significance.

GeneDx
Classification: Uncertain significance. Last evaluated: 2025-04-30. Review status: criteria provided, single submitter. Criteria: GeneDx Variant Classification Process June 2021. Collection method: clinical testing. Allele origin: germline. Affected: yes.
Comment: Not observed at significant frequency in large population cohorts (gnomAD); In silico analysis indicates that this missense variant does not alter protein structure/function; Has not been previously published as pathogenic or benign to our knowledge; This variant is associated with the following publications: (PMID: 12668474)

All of Us Research Program, National Institutes of Health
Classification: Uncertain significance for Malignant hyperthermia, susceptibility to, 1. Last evaluated: 2024-06-09. Review status: criteria provided, single submitter. Criteria: ACMG Guidelines, 2015. Collection method: clinical testing. Allele origin: germline. Inheritance: Autosomal dominant inheritance. Observed: 1 variant allele, 1 heterozygote.
Comment: This missense variant replaces isoleucine with valine at codon 2755 of the RYR1 protein. Computational prediction suggests that this variant may not impact protein structure and function (internally defined REVEL score threshold <= 0.5, PMID: 27666373). To our knowledge, functional studies have not been reported for this variant. This variant has not been reported in individuals affected with RYR1-related disorders in the literature. This variant has not been identified in the general population by the Genome Aggregation Database (gnomAD). The available evidence is insufficient to determine the role of this variant in disease conclusively. Therefore, this variant is classified as a Variant of Uncertain Significance.

This study involves interpretation of variants in research participants for the purpose of population health screening. Participant phenotype was not available at the time of variant classification. Additional details can be found in publication PMID: 35346344, PMCID: PMC8962531

Ambry Genetics
Classification: Uncertain significance for Inborn genetic diseases. Last evaluated: 2021-07-26. Review status: criteria provided, single submitter. Criteria: Ambry Variant Classification Scheme 2023. Collection method: clinical testing. Allele origin: germline.